The following is an entry in ClinVar:

ClinVar aggregate classification (germline): Benign. Review status: criteria provided, multiple submitters, no conflicts (2 of 4 stars). 3 submissions from 3 submitters: Benign (2). 1 of the submissions does not count toward it. Last evaluated 2026-01-31.

Conditions:
PMP2-related disorder. Also called: PMP2-related condition.

Allele frequency attached by ClinVar (database versions not stated): gnomAD exomes 0.00107 and 0.00338; ExAC 0.00424; gnomAD 0.01270 and 0.01385; 1000 Genomes Project 0.01298; 1000 Genomes Project 30x 0.01405; TOPMed 0.01444; ESP Exome Variant Server 0.01653.
gnomAD v4.1: 3,510 of 1,548,504 alleles (0.23%); highest among the groups gnomAD compares: African/African-American, 4%; 72 homozygotes.

Submissions (3):

Labcorp Genetics (formerly Invitae), Labcorp
Classification: Benign. Last evaluated: 2026-01-31. Review status: criteria provided, single submitter. Criteria: Invitae Variant Classification Sherloc (09022015). Collection method: clinical testing. Allele origin: germline.

Mayo Clinic Laboratories, Mayo Clinic
Classification: Benign. Last evaluated: 2023-06-05. Review status: criteria provided, single submitter. Criteria: ACMG Guidelines, 2015. Collection method: clinical testing. Allele origin: germline. Observed: 12 variant alleles.
Comment: BS1, BS2, BP4, BP7

PreventionGenetics, part of Exact Sciences
Classification: Benign for PMP2-related condition. Last evaluated: 2019-07-15. Review status: no assertion criteria provided. Collection method: clinical testing. Allele origin: germline. Not counted in ClinVar's aggregate classification.
Comment: This variant is classified as benign based on ACMG/AMP sequence variant interpretation guidelines (Richards et al. 2015 PMID: 25741868, with internal and published modifications).

NM_002677.5(PMP2):c.348+8T>C

Gene: PMP2 (peripheral myelin protein 2; minus strand). Cytogenetic location: 8q21.13.
Variant type: single nucleotide variant.
Coding change: c.348+8T>C on transcript NM_002677.5 (MANE Select); 8 bases into the intron after coding-DNA position 348, T replaced by C.
Molecular consequence: intron variant.
Genome position (GRCh38, 1-based): chr8:81,444,492, A>G on the plus strand (T>C on the coding strand, the complement: PMP2 is on the minus strand). VCF-style: chr8-81444492-A-G. GRCh37 (hg19) VCF-style: chr8-82356727-A-G.
Other names: p.?; c.175+8T>C (NM_001348381.2).
Identifiers: ClinVar variation 781142 (VCV000781142.13), dbSNP rs114661905, ClinGen allele CA4791912.